The following is an entry in ClinVar:

NM_003737.4(DCHS1):c.6731G>A (p.Arg2244Gln)

Gene: DCHS1 (dachsous cadherin-related 1; minus strand). Cytogenetic location: 11p15.4.
Variant type: single nucleotide variant.
Coding change: c.6731G>A on transcript NM_003737.4 (MANE Select); coding-DNA position 6731, G replaced by A.
Protein change: p.Arg2244Gln; replaces arginine 2244 with glutamine.
Molecular consequence: missense variant.
Genome position (GRCh38, 1-based): chr11:6,625,920, C>T on the plus strand (G>A on the coding strand, the complement: DCHS1 is on the minus strand). VCF-style: chr11-6625920-C-T. GRCh37 (hg19) VCF-style: chr11-6647151-C-T.
Other names: short protein forms R2244Q.
Identifiers: ClinVar variation 3623210 (VCV003623210.2).

ClinVar aggregate classification (germline): Uncertain significance (1 of 4 stars; one submission).

gnomAD v4.1: 11 of 1,612,640 alleles (0.00068%); highest among the groups gnomAD compares: East Asian, 0.0045%; no homozygotes.

Submission:

Labcorp Genetics (formerly Invitae), Labcorp
Classification: Uncertain significance. Last evaluated: 2025-10-06. Review status: criteria provided, single submitter. Criteria: Invitae Variant Classification Sherloc (09022015). Collection method: clinical testing. Allele origin: germline.
Comment: This sequence change replaces arginine, which is basic and polar, with glutamine, which is neutral and polar, at codon 2244 of the DCHS1 protein (p.Arg2244Gln). This variant also falls at the last nucleotide of exon 17, which is part of the consensus splice site for this exon. This variant is present in population databases (no rsID available, gnomAD 0.006%). This variant has not been reported in the literature in individuals affected with DCHS1-related conditions. ClinVar contains an entry for this variant (Variation ID: 3623210). An algorithm developed to predict the effect of missense changes on protein structure and function (PolyPhen-2) suggests that this variant is likely to be tolerated. Variants that disrupt the consensus splice site are a relatively common cause of aberrant splicing (PMID: 17576681, 9536098). Algorithms developed to predict the effect of sequence changes on RNA splicing suggest that this variant may disrupt the consensus splice site. In summary, the available evidence is currently insufficient to determine the role of this variant in disease. Therefore, it has been classified as a Variant of Uncertain Significance.

Literature cited by the submitters: PubMed 17576681; PubMed 9536098.